The following is an entry in ClinVar:

ClinVar aggregate classification (germline): Uncertain significance. Review status: criteria provided, single submitter (1 of 4 stars). 2 submissions from 2 submitters: Uncertain significance (1). 1 of the submissions does not count toward it. Last evaluated 2026-07-06.

Conditions:
Hereditary cancer-predisposing syndrome. Also called: Tumor predisposition; Hereditary Cancer Syndrome; Hereditary neoplastic syndrome; Neoplastic Syndromes, Hereditary. Identifiers: Orphanet 140162, MedGen C0027672, MeSH D009386, MONDO:0015356.
TSC2-related disorder. Also called: TSC2-related condition; TSC2-Related Disorders.

Submissions (2):

Ambry Genetics
Classification: Uncertain significance for Hereditary cancer-predisposing syndrome. Last evaluated: 2026-07-06. Review status: criteria provided, single submitter. Criteria: Ambry Variant Classification Scheme 2023. Collection method: clinical testing. Allele origin: germline.
Comment: The p.G915D variant (also known as c.2744G>A), located in coding exon 24 of the TSC2 gene, results from a G to A substitution at nucleotide position 2744. The glycine at codon 915 is replaced by aspartic acid, an amino acid with similar properties. This amino acid position is highly conserved in available vertebrate species. In addition, this alteration is predicted to be deleterious by in silico analysis. Based on the available evidence, the clinical significance of this variant remains unclear.

PreventionGenetics, part of Exact Sciences
Classification: Uncertain significance for TSC2-related condition. Last evaluated: 2024-05-16. Review status: no assertion criteria provided. Collection method: clinical testing. Allele origin: germline. Not counted in ClinVar's aggregate classification.
Comment: The TSC2 c.2744G>A variant is predicted to result in the amino acid substitution p.Gly915Asp. To our knowledge, this variant has not been reported in the literature or in a large population database, indicating this variant is rare. At this time, the clinical significance of this variant is uncertain due to the absence of conclusive functional and genetic evidence.

NM_000548.5(TSC2):c.2744G>A (p.Gly915Asp)

Gene: TSC2 (TSC complex subunit 2; plus strand). Cytogenetic location: 16p13.3.
Variant type: single nucleotide variant.
Coding change: c.2744G>A on transcript NM_000548.5 (MANE Select); coding-DNA position 2744, G replaced by A.
Protein change: p.Gly915Asp; replaces glycine 915 with aspartic acid.
Molecular consequence: missense variant. On other transcripts: non-coding transcript variant (5).
Genome position (GRCh38, 1-based): chr16:2,076,492, G>A. VCF-style: chr16-2076492-G-A. GRCh37 (hg19) VCF-style: chr16-2126493-G-A.
Other names: c.2144G>A, p.Gly715Asp (NM_001406684.1, NM_001406685.1, NM_001406686.1 and 6 more transcripts); c.1400G>A, p.Gly467Asp (NM_001406689.1, NM_001406690.1, NM_001406691.1 and 6 more transcripts); c.2744G>A, p.Gly915Asp (NM_001077183.3, NM_001114382.3, NM_001363528.2 and 6 more transcripts); c.2633G>A, p.Gly878Asp (NM_001318827.2, NM_001406670.1, NM_001406678.1); c.2597G>A, p.Gly866Asp (NM_001318829.2, NM_001406675.1, NM_001406676.1 and 1 more transcripts); c.2777G>A, p.Gly926Asp (NM_001318832.2); c.2834G>A, p.Gly945Asp (NM_001406667.1, NM_001406668.1); c.2732G>A, p.Gly911Asp (NM_001406671.1, NM_001406673.1); and 3 more; short protein forms G381D, G467D, G715D, G761D, G866D, G878D, G896D, G911D.
Identifiers: ClinVar variation 3345618 (VCV003345618.3).